The following is an entry in ClinVar:

ClinVar aggregate classification (germline): Uncertain significance (1 of 4 stars; one submission).

Conditions:
Hereditary cancer-predisposing syndrome. Also called: Hereditary neoplastic syndrome; Neoplastic Syndromes, Hereditary; Tumor predisposition; Hereditary Cancer Syndrome. Identifiers: Orphanet 140162, MedGen C0027672, MeSH D009386, MONDO:0015356.

Submission:

Ambry Genetics
Classification: Uncertain significance for Hereditary cancer-predisposing syndrome. Last evaluated: 2024-12-26. Review status: criteria provided, single submitter. Criteria: Ambry Variant Classification Scheme 2023. Collection method: clinical testing. Allele origin: germline.
Comment: The p.F110V variant (also known as c.328T>G), located in coding exon 3 of the CDH1 gene, results from a T to G substitution at nucleotide position 328. The phenylalanine at codon 110 is replaced by valine, an amino acid with highly similar properties. This amino acid position is not well conserved in available vertebrate species. In addition, this alteration is predicted to be tolerated by in silico analysis. Based on the available evidence, the clinical significance of this variant remains unclear.

NM_004360.5(CDH1):c.328T>G (p.Phe110Val)

Gene: CDH1 (cadherin 1; plus strand). Cytogenetic location: 16q22.1.
Variant type: single nucleotide variant.
Coding change: c.328T>G on transcript NM_004360.5 (MANE Select); coding-DNA position 328, T replaced by G.
Protein change: p.Phe110Val; replaces phenylalanine 110 with valine.
Molecular consequence: missense variant. On other transcripts: 5 prime UTR variant (2).
Genome position (GRCh38, 1-based): chr16:68,801,834, T>G. VCF-style: chr16-68801834-T-G. GRCh37 (hg19) VCF-style: chr16-68835737-T-G.
Other names: c.328T>G, p.Phe110Val (NM_001317184.2); c.-1288T>G (NM_001317185.2); c.-1492T>G (NM_001317186.2); short protein forms F110V.
Identifiers: ClinVar variation 3829979 (VCV003829979.1).
Genomic context (GRCh38, chr16:68,801,834, plus strand): 5'-CGGTTTCATAACCCACAGATCCATTTCTTGGTCTACGCCTGGGACTCCACCTACAGAAAG[T>G]TTTCCACCAAAGTCACGCTGAATACAGTGGGGCACCACCACCGCCCCCCGCCCCATCAGG-3'
Protein context (NP_004351.1, residues 100-120): VYAWDSTYRK[Phe110Val]STKVTLNTVG